The following is an entry in ClinVar:

NM_000384.3(APOB):c.1753C>A (p.Gln585Lys)

Gene: APOB (apolipoprotein B; minus strand). Cytogenetic location: 2p24.1.
Variant type: single nucleotide variant.
Coding change: c.1753C>A on transcript NM_000384.3 (MANE Select); coding-DNA position 1753, C replaced by A.
Protein change: p.Gln585Lys; replaces glutamine 585 with lysine.
Molecular consequence: missense variant.
Genome position (GRCh38, 1-based): chr2:21,028,403, G>T on the plus strand (C>A on the coding strand, the complement: APOB is on the minus strand). VCF-style: chr2-21028403-G-T. GRCh37 (hg19) VCF-style: chr2-21251275-G-T.
Other names: p.Gln585Lys; short protein forms Q585K.
Identifiers: ClinVar variation 420652 (VCV000420652.19), dbSNP rs140101603, ClinGen allele CA054504.

ClinVar aggregate classification (germline): Conflicting classifications of pathogenicity. Review status: criteria provided, conflicting classifications (1 of 4 stars). 5 submissions from 5 submitters: Uncertain significance (3); Likely benign (2). Last evaluated 2025-12-21.

Conditions:
Cardiovascular phenotype. Identifiers: MedGen CN230736.
Hypercholesterolemia, autosomal dominant, type B (FHCL2). Also called: APOB-Related Familial Hypercholesterolemia, Autosomal Dominant; Familial Hypercholesterolemia Type B; APOLIPOPROTEIN B-100, FAMILIAL DEFECTIVE; APOLIPOPROTEIN B-100, FAMILIAL LIGAND-DEFECTIVE; Hyperlipoproteinemia Type IIb; Familial hypercholesterolemia 2. Identifiers: MedGen C1704417, MONDO:0007751, OMIM 144010.
Familial hypobetalipoproteinemia 1. Also called: APOB-Related Familial Hypobetalipoproteinemia; Hypobetalipoproteinemia, normotriglyceridemic; Acanthocytosis with hypobetalipoproteinemia. Identifiers: MedGen C4551990, MONDO:0014252, OMIM 615558.

Allele frequency attached by ClinVar (database versions not stated): gnomAD 0.00003 and 0.00004; gnomAD exomes 0.00003; TOPMed 0.00004; ESP Exome Variant Server 0.00015; ExAC 0.00002.
gnomAD v4.1: 25 of 1,614,046 alleles (0.0015%); highest among the groups gnomAD compares: Non-Finnish European, 0.0021%; no homozygotes.

Submissions (5):

Labcorp Genetics (formerly Invitae), Labcorp
Classification: Likely benign for Familial hypobetalipoproteinemia 1; Hypercholesterolemia, autosomal dominant, type B. Last evaluated: 2025-12-21. Review status: criteria provided, single submitter. Criteria: Invitae Variant Classification Sherloc (09022015). Collection method: clinical testing. Allele origin: germline.

Ambry Genetics
Classification: Likely benign for Cardiovascular phenotype. Last evaluated: 2025-02-27. Review status: criteria provided, single submitter. Criteria: Ambry Variant Classification Scheme 2023. Collection method: clinical testing. Allele origin: germline.

Fulgent Genetics
Classification: Uncertain significance for Hypercholesterolemia, autosomal dominant, type B; Familial hypobetalipoproteinemia 1. Last evaluated: 2021-08-31. Review status: criteria provided, single submitter. Criteria: ACMG Guidelines, 2015. Collection method: clinical testing. Allele origin: unknown.

Mayo Clinic Laboratories, Mayo Clinic
Classification: Uncertain significance. Last evaluated: 2021-06-16. Review status: criteria provided, single submitter. Criteria: ACMG Guidelines, 2015. Collection method: clinical testing. Allele origin: germline.

GeneDx
Classification: Uncertain significance. Last evaluated: 2017-03-23. Review status: criteria provided, single submitter. Criteria: GeneDx Variant Classification (06012015). Collection method: clinical testing. Allele origin: germline. Affected: yes.
Comment: A variant of uncertain significance has been identified in the APOB gene. The Q585K variant has not been published as pathogenic or been reported as benign to our knowledge. This variant is not observed at a significant frequency in large population cohorts (Lek et al., 2016; 1000 Genomes Consortium et al., 2015; Exome Variant Server). The Q585K variant is a semi-conservative amino acid substitution, which may impact secondary protein structure as these residues differ in some properties. Nevertheless, this substitution occurs at a position that is not conserved, and lysine is tolerated at this position in several species. Furthermore, in silico analysis predicts this variant likely does not alter the protein structure/function.